The following is an entry in ClinVar:

ClinVar aggregate classification (germline): Uncertain significance. Review status: criteria provided, multiple submitters, no conflicts (2 of 4 stars). 2 submissions from 2 submitters: Uncertain significance (2). Last evaluated 2024-11-28.

Conditions:
Hereditary cancer-predisposing syndrome. Also called: Hereditary neoplastic syndrome; Tumor predisposition; Neoplastic Syndromes, Hereditary; Hereditary Cancer Syndrome. Identifiers: Orphanet 140162, MedGen C0027672, MeSH D009386, MONDO:0015356.

gnomAD v4.1: 3 of 1,614,148 alleles (0.00019%); highest among the groups gnomAD compares: Non-Finnish European, 0.00025%; no homozygotes.

Submissions (2):

Ambry Genetics
Classification: Uncertain significance for Hereditary cancer-predisposing syndrome. Last evaluated: 2024-11-28. Review status: criteria provided, single submitter. Criteria: Ambry Variant Classification Scheme 2023. Collection method: clinical testing. Allele origin: germline.
Comment: The p.F198C variant (also known as c.593T>G), located in coding exon 4 of the MSH3 gene, results from a T to G substitution at nucleotide position 593. The phenylalanine at codon 198 is replaced by cysteine, an amino acid with highly dissimilar properties. This amino acid position is conserved. In addition, this alteration is predicted to be tolerated by in silico analysis. Since supporting evidence is limited at this time, the clinical significance of this alteration remains unclear.

Labcorp Genetics (formerly Invitae), Labcorp
Classification: Uncertain significance. Last evaluated: 2024-10-30. Review status: criteria provided, single submitter. Criteria: Invitae Variant Classification Sherloc (09022015). Collection method: clinical testing. Allele origin: germline.
Comment: This sequence change replaces phenylalanine, which is neutral and non-polar, with cysteine, which is neutral and slightly polar, at codon 198 of the MSH3 protein (p.Phe198Cys). This variant is not present in population databases (gnomAD no frequency). This variant has not been reported in the literature in individuals affected with MSH3-related conditions. ClinVar contains an entry for this variant (Variation ID: 954032). An algorithm developed to predict the effect of missense changes on protein structure and function (PolyPhen-2) suggests that this variant is likely to be tolerated. In summary, the available evidence is currently insufficient to determine the role of this variant in disease. Therefore, it has been classified as a Variant of Uncertain Significance.

NM_002439.5(MSH3):c.593T>G (p.Phe198Cys)

Gene: MSH3 (mutS homolog 3; plus strand). Cytogenetic location: 5q14.1.
Variant type: single nucleotide variant.
Coding change: c.593T>G on transcript NM_002439.5 (MANE Select); coding-DNA position 593, T replaced by G.
Protein change: p.Phe198Cys; replaces phenylalanine 198 with cysteine.
Molecular consequence: missense variant.
Genome position (GRCh38, 1-based): chr5:80,670,110, T>G. VCF-style: chr5-80670110-T-G. GRCh37 (hg19) VCF-style: chr5-79965929-T-G.
Other names: short protein forms F198C.
Identifiers: ClinVar variation 954032 (VCV000954032.12), dbSNP rs766194502, ClinGen allele CA360265894.